The following is an entry in ClinVar:

NM_006614.4(CHL1):c.758T>A (p.Leu253Gln)

Gene: CHL1 (cell adhesion molecule L1 like; plus strand). Cytogenetic location: 3p26.3.
Variant type: single nucleotide variant.
Coding change: c.758T>A on transcript NM_006614.4 (MANE Select); coding-DNA position 758, T replaced by A.
Protein change: p.Leu253Gln; replaces leucine 253 with glutamine.
Molecular consequence: missense variant.
Genome position (GRCh38, 1-based): chr3:344,619, T>A. VCF-style: chr3-344619-T-A. GRCh37 (hg19) VCF-style: chr3-386302-T-A.
Other names: c.710T>A, p.Leu237Gln (NM_001253387.2); c.758T>A, p.Leu253Gln (NM_001253388.1); short protein forms L237Q, L253Q.
Identifiers: ClinVar variation 2631603 (VCV002631603.1), dbSNP rs2470324142, ClinGen allele CA351430458.

ClinVar aggregate classification (germline): Uncertain significance (1 of 4 stars; one submission).

Conditions:
CHL1-related disorder. Also called: CHL1-related condition.

Submission:

PreventionGenetics, part of Exact Sciences
Classification: Uncertain significance for CHL1-related condition. Last evaluated: 2023-09-04. Review status: criteria provided, single submitter. Criteria: ACMG Guidelines, 2015. Collection method: clinical testing. Allele origin: germline.
Comment: The CHL1 c.758T>A variant is predicted to result in the amino acid substitution p.Leu253Gln. To our knowledge, this variant has not been reported in the literature or in a large population database, indicating this variant is rare. At this time, the clinical significance of this variant is uncertain due to the absence of conclusive functional and genetic evidence.